The following is an entry in ClinVar:

ClinVar aggregate classification (germline): Pathogenic. Review status: criteria provided, multiple submitters, no conflicts (2 of 4 stars). 4 submissions from 4 submitters: Pathogenic (3). 1 of the submissions does not count toward it. Last evaluated 2025-09-09.

Conditions:
DNAH5-related disorder. Also called: DNAH5-related condition.
Primary ciliary dyskinesia. Also called: Ciliary dyskinesia. Identifiers: Orphanet 244, MedGen C0008780, MONDO:0016575, HP:0012265.
Primary ciliary dyskinesia 3. Identifiers: Orphanet 244, MedGen C1837618, MONDO:0012085, OMIM 608644.

Submissions (4):

3billion
Classification: Pathogenic for Primary ciliary dyskinesia 3. Last evaluated: 2025-09-09. Review status: criteria provided, single submitter. Criteria: ACMG Guidelines, 2015. Collection method: clinical testing. Allele origin: germline. Affected: yes.
Comment: The variant is observed at an extremely low frequency in the gnomAD v4.1.0 dataset (total allele frequency: <0.001%). Predicted Consequence/Location: Frameshift: predicted to result in a loss or disruption of normal protein function through nonsense-mediated decay (NMD) or protein truncation. Multiple pathogenic variants are reported downstream of the variant. The variant has been reported at least twice as pathogenic without evidence for the classification (ClinVar ID: VCV000454806 /PMID: 16627867). Therefore, this variant is classified as Pathogenic according to the recommendation of ACMG/AMP guideline.

Natera, Inc.
Classification: Pathogenic for Primary ciliary dyskinesia. Last evaluated: 2025-05-26. Review status: criteria provided, single submitter. Criteria: Natera Variant Classification Schema (03/2026). Collection method: clinical testing. Allele origin: germline.
Comment: The c.7914dupA variant in DNAH5 is a frameshift variant predicted to shift the reading frame beginning at codon 2639 and leads to a stop codon 19 codons downstream. This variant is expected to result in nonsense mediated decay, truncation, or a dysfunctional protein product. This variant is rare in the general population with a frequency below the threshold expected for the associated phenotype(s). This variant has been observed in one or more individuals affected with the associated recessive disease, as either homozygous or compound heterozygous with a second variant (PMID: 16627867). Given the available evidence, this variant is classified as Pathogenic.

Labcorp Genetics (formerly Invitae), Labcorp
Classification: Pathogenic for Primary ciliary dyskinesia. Last evaluated: 2024-08-13. Review status: criteria provided, single submitter. Criteria: Invitae Variant Classification Sherloc (09022015). Collection method: clinical testing. Allele origin: germline.
Comment: This sequence change creates a premature translational stop signal (p.Arg2639Thrfs*19) in the DNAH5 gene. It is expected to result in an absent or disrupted protein product. Loss-of-function variants in DNAH5 are known to be pathogenic (PMID: 11788826, 16627867). This variant is present in population databases (rs749082955, gnomAD 0.0009%). This premature translational stop signal has been observed in individual(s) with primary ciliary dyskinesia (PMID: 16627867). In at least one individual the data is consistent with being in trans (on the opposite chromosome) from a pathogenic variant. ClinVar contains an entry for this variant (Variation ID: 454806). For these reasons, this variant has been classified as Pathogenic.

PreventionGenetics, part of Exact Sciences
Classification: Pathogenic for DNAH5-related condition. Last evaluated: 2023-12-11. Review status: no assertion criteria provided. Collection method: clinical testing. Allele origin: germline. Not counted in ClinVar's aggregate classification.
Comment: The DNAH5 c.7914dupA variant is predicted to result in a frameshift and premature protein termination (p.Arg2639Thrfs*19). This variant has been reported in the compound heterozygous state with a second pathogenic DNAH5 variant in an individual with primary ciliary dyskinesia (Hornef et al. 2006. PubMed ID: 16627867). This variant is reported in 0.00088% of alleles in individuals of European (Non-Finnish) descent in gnomAD. Frameshift variants in DNAH5 are expected to be pathogenic. This variant is interpreted as pathogenic.

Literature cited by the submitters: PubMed 16627867 (cited by 3 submitters); PubMed 11788826 (cited by Labcorp Genetics (formerly Invitae), Labcorp).

NM_001369.3(DNAH5):c.7914dup (p.Arg2639fs)

Gene: DNAH5 (dynein axonemal heavy chain 5; minus strand). Cytogenetic location: 5p15.2.
Variant type: Duplication.
Coding change: c.7914dup on transcript NM_001369.3 (MANE Select); coding-DNA position 7914, one base duplicated (A; older notation c.7914dupA).
Protein change: p.Arg2639fs; shifts the reading frame from arginine 2639.
Molecular consequence: frameshift variant.
Genome position (GRCh38, 1-based): chr5:13,794,032, T duplicated on the plus strand (A on the coding strand, the reverse complement: DNAH5 is on the minus strand); the first of 3 consecutive T bases (chr5:13,794,032-13,794,034); duplicating any one gives the same sequence. VCF-style (leftmost placement, unchanged base first): chr5-13794031-G-GT. GRCh37 (hg19) VCF-style: chr5-13794140-G-GT.
Other names: c.7914dupA (NM_001369.2); short protein forms R2639fs.
Identifiers: ClinVar variation 454806 (VCV000454806.29), dbSNP rs749082955, ClinGen allele CA3202955.